The following is an entry in ClinVar:

NM_018451.5(CPAP):c.2286T>G (p.Asp762Glu)

Gene: CPAP (centrosome assembly and centriole elongation protein; minus strand). Cytogenetic location: 13q12.13.
Variant type: single nucleotide variant.
Coding change: c.2286T>G on transcript NM_018451.5 (MANE Select); coding-DNA position 2286, T replaced by G.
Protein change: p.Asp762Glu; replaces aspartic acid 762 with glutamic acid.
Molecular consequence: missense variant. On other transcripts: non-coding transcript variant (2).
Genome position (GRCh38, 1-based): chr13:24,905,752, A>C on the plus strand (T>G on the coding strand, the complement: CPAP is on the minus strand). VCF-style: chr13-24905752-A-C. GRCh37 (hg19) VCF-style: chr13-25479890-A-C.
Other names: c.2286T>G (NM_018451.3); short protein forms D762E.
Identifiers: ClinVar variation 1518326 (VCV001518326.5), dbSNP rs74701901, ClinGen allele CA6919624.
Genomic context (GRCh38, chr13:24,905,752, plus strand): 5'-TCTCGAGGGCTCAGACACTTTATGTTTTATGCTTTCCATGATAGACTCATCGCTACTGTA[A>C]TCTTTATCAGACAAATCCAGATCAACATCTCTCCTTTTATCTTCTTGGGTCCTGGTGTCC-3'
Protein context (NP_060921.3, residues 752-772): RDVDLDLSDK[Asp762Glu]YSSDESIMES

ClinVar aggregate classification (germline): Uncertain significance. Review status: criteria provided, multiple submitters, no conflicts (2 of 4 stars). 2 submissions from 2 submitters: Uncertain significance (2). Last evaluated 2023-03-23.

Conditions:
Inborn genetic diseases. Identifiers: MedGen C0950123, MeSH D030342.

Allele frequency attached by ClinVar (database versions not stated): gnomAD exomes 0.00001 and 0.00006; ExAC 0.00006; ESP Exome Variant Server 0.00015; gnomAD 0.00018 and 0.00021; 1000 Genomes Project 0.00020; TOPMed 0.00022; 1000 Genomes Project 30x 0.00031.
gnomAD v4.1: 48 of 1,614,138 alleles (0.003%); highest among the groups gnomAD compares: African/African-American, 0.061%; no homozygotes.

Submissions (2):

Ambry Genetics
Classification: Uncertain significance for Inborn genetic diseases. Last evaluated: 2023-03-23. Review status: criteria provided, single submitter. Criteria: Ambry Variant Classification Scheme 2023. Collection method: clinical testing. Allele origin: germline.

Labcorp Genetics (formerly Invitae), Labcorp
Classification: Uncertain significance. Last evaluated: 2022-06-20. Review status: criteria provided, single submitter. Criteria: Invitae Variant Classification Sherloc (09022015). Collection method: clinical testing. Allele origin: germline.
Comment: This sequence change replaces aspartic acid, which is acidic and polar, with glutamic acid, which is acidic and polar, at codon 762 of the CENPJ protein (p.Asp762Glu). This variant is present in population databases (rs74701901, gnomAD 0.08%). This variant has not been reported in the literature in individuals affected with CENPJ-related conditions. Algorithms developed to predict the effect of missense changes on protein structure and function output the following: SIFT: "Tolerated"; PolyPhen-2: "Benign"; Align-GVGD: "Class C0". The glutamic acid amino acid residue is found in multiple mammalian species, which suggests that this missense change does not adversely affect protein function. In summary, the available evidence is currently insufficient to determine the role of this variant in disease. Therefore, it has been classified as a Variant of Uncertain Significance.